The following is an entry in ClinVar:

NM_003632.3(CNTNAP1):c.3995C>T (p.Pro1332Leu)

Genes: CNTNAP1 (contactin associated protein 1; plus strand), LOC128669077 (EZH1 +46 kb erythroid enhancer; plus strand). Cytogenetic location: 17q21.2.
Variant type: single nucleotide variant.
Coding change: c.3995C>T on transcript NM_003632.3 (MANE Select); coding-DNA position 3995, C replaced by T.
Protein change: p.Pro1332Leu; replaces proline 1332 with leucine.
Molecular consequence: missense variant.
Genome position (GRCh38, 1-based): chr17:42,698,750, C>T. VCF-style: chr17-42698750-C-T. GRCh37 (hg19) VCF-style: chr17-40850768-C-T.
Other names: short protein forms P1332L.
Identifiers: ClinVar variation 2514187 (VCV002514187.26), dbSNP rs200871551, ClinGen allele CA8582510.

ClinVar aggregate classification (germline): Conflicting classifications of pathogenicity. Review status: criteria provided, conflicting classifications (1 of 4 stars). 2 submissions from 2 submitters: Uncertain significance (1); Likely benign (1). Last evaluated 2023-06-07.

Conditions:
Inborn genetic diseases. Identifiers: MedGen C0950123, MeSH D030342.

Allele frequency attached by ClinVar (database versions not stated): gnomAD 0.00003; gnomAD exomes 0.00004; TOPMed 0.00005; ExAC 0.00009; 1000 Genomes Project 30x 0.00016; 1000 Genomes Project 0.00020.
gnomAD v4.1: 69 of 1,613,308 alleles (0.0043%); highest among the groups gnomAD compares: East Asian, 0.025%; 1 homozygote.

Submissions (2):

Ambry Genetics
Classification: Uncertain significance for Inborn genetic diseases. Last evaluated: 2023-06-07. Review status: criteria provided, single submitter. Criteria: Ambry Variant Classification Scheme 2023. Collection method: clinical testing. Allele origin: germline.

CeGaT Center for Human Genetics Tuebingen
Classification: Likely benign. Last evaluated: 2022-10-01. Review status: criteria provided, single submitter. Criteria: CeGaT Center For Human Genetics Tuebingen Variant Classification Criteria Version 2. Collection method: clinical testing. Allele origin: germline. Affected: yes. Observed: 1 variant allele.
Comment: CNTNAP1: BP4